The following is an entry in ClinVar:

ClinVar aggregate classification (germline): Likely benign. Review status: criteria provided, single submitter (1 of 4 stars). 2 submissions from 2 submitters: Likely benign (1). 1 of the submissions does not count toward it. Last evaluated 2025-03-16.

Conditions:
KSR2-related disorder. Also called: KSR2-related condition.

Allele frequency attached by ClinVar (database versions not stated): ESP Exome Variant Server 0.00017; TOPMed 0.00019; gnomAD 0.00021; ExAC 0.00022; gnomAD exomes 0.00026.
gnomAD v4.1: 400 of 1,613,468 alleles (0.025%); highest among the groups gnomAD compares: East Asian, 0.042%; no homozygotes.

Submissions (2):

Labcorp Genetics (formerly Invitae), Labcorp
Classification: Likely benign. Last evaluated: 2025-03-16. Review status: criteria provided, single submitter. Criteria: Invitae Variant Classification Sherloc (09022015). Collection method: clinical testing. Allele origin: germline.

PreventionGenetics, part of Exact Sciences
Classification: Likely benign for KSR2-related condition. Last evaluated: 2021-01-04. Review status: no assertion criteria provided. Collection method: clinical testing. Allele origin: germline. Not counted in ClinVar's aggregate classification.
Comment: This variant is classified as likely benign based on ACMG/AMP sequence variant interpretation guidelines (Richards et al. 2015 PMID: 25741868, with internal and published modifications).

NM_173598.6(KSR2):c.1764G>A (p.Ala588=)

Gene: KSR2 (kinase suppressor of ras 2; minus strand). Cytogenetic location: 12q24.22.
Variant type: single nucleotide variant.
Coding change: c.1764G>A on transcript NM_173598.6 (MANE Select); coding-DNA position 1764, G replaced by A.
Protein change: p.Ala588=; no amino-acid change (alanine 588 retained).
Molecular consequence: synonymous variant.
Genome position (GRCh38, 1-based): chr12:117,530,979, C>T on the plus strand (G>A on the coding strand, the complement: KSR2 is on the minus strand). VCF-style: chr12-117530979-C-T. GRCh37 (hg19) VCF-style: chr12-117968784-C-T.
Other names: c.1677G>A (NM_173598.4).
Identifiers: ClinVar variation 2712312 (VCV002712312.5), dbSNP rs375966986, ClinGen allele CA6815911.